The following is an entry in ClinVar:

NM_002184.4(IL6ST):c.758T>C (p.Ile253Thr)

Gene: IL6ST (interleukin 6 cytokine family signal transducer; minus strand). Cytogenetic location: 5q11.2.
Variant type: single nucleotide variant.
Coding change: c.758T>C on transcript NM_002184.4 (MANE Select); coding-DNA position 758, T replaced by C.
Protein change: p.Ile253Thr; replaces isoleucine 253 with threonine.
Molecular consequence: missense variant. On other transcripts: 5 prime UTR variant (3), non-coding transcript variant (2).
Genome position (GRCh38, 1-based): chr5:55,963,407, A>G on the plus strand (T>C on the coding strand, the complement: IL6ST is on the minus strand). VCF-style: chr5-55963407-A-G. GRCh37 (hg19) VCF-style: chr5-55259235-A-G.
Other names: c.758T>C, p.Ile253Thr (NM_001190981.2, NM_001364275.2, NM_175767.3); c.548T>C, p.Ile183Thr (NM_001364276.2); c.-156T>C (NM_001364277.2, NM_001364279.2); c.-146T>C (NM_001364278.2); short protein forms I253T, I183T.
Identifiers: ClinVar variation 1509962 (VCV001509962.6), dbSNP rs375553493, ClinGen allele CA3271623.
Genomic context (GRCh38, chr5:55,963,407, plus strand): 5'-TTTACCTGGCTCCAAGTTGAGGCATCTTTGGTCCTATATTGAATGTTATATTTTAGTATT[A>G]TAACACTCTTAATACTTGGGTTGGTCCATGTCAATTTTAAGATACTAGACAGTTCCTCTG-3'
Protein context (NP_002175.2, residues 243-263): TWTNPSIKSV[Ile253Thr]ILKYNIQYRT

ClinVar aggregate classification (germline): Uncertain significance (1 of 4 stars; one submission).

Allele frequency attached by ClinVar (database versions not stated): gnomAD exomes below 0.00001 and 0.00001; ExAC 0.00001; gnomAD 0.00001; TOPMed 0.00002; ESP Exome Variant Server 0.00008.
gnomAD v4.1: 9 of 1,603,524 alleles (0.00056%); highest among the groups gnomAD compares: Non-Finnish European, 0.00077%; no homozygotes.

Submission:

Labcorp Genetics (formerly Invitae), Labcorp
Classification: Uncertain significance. Last evaluated: 2023-09-27. Review status: criteria provided, single submitter. Criteria: Invitae Variant Classification Sherloc (09022015). Collection method: clinical testing. Allele origin: germline.
Comment: This sequence change replaces isoleucine, which is neutral and non-polar, with threonine, which is neutral and polar, at codon 253 of the IL6ST protein (p.Ile253Thr). This variant is present in population databases (rs375553493, gnomAD 0.0009%). This variant has not been reported in the literature in individuals affected with IL6ST-related conditions. ClinVar contains an entry for this variant (Variation ID: 1509962). An algorithm developed to predict the effect of missense changes on protein structure and function (PolyPhen-2) suggests that this variant is likely to be disruptive. In summary, the available evidence is currently insufficient to determine the role of this variant in disease. Therefore, it has been classified as a Variant of Uncertain Significance.